The following is an entry in ClinVar:

NM_030973.4(MED25):c.1150C>G (p.Leu384Val)

Gene: MED25 (mediator complex subunit 25; plus strand). Cytogenetic location: 19q13.33.
Variant type: single nucleotide variant.
Coding change: c.1150C>G on transcript NM_030973.4 (MANE Select); coding-DNA position 1150, C replaced by G.
Protein change: p.Leu384Val; replaces leucine 384 with valine.
Molecular consequence: missense variant.
Genome position (GRCh38, 1-based): chr19:49,831,381, C>G. VCF-style: chr19-49831381-C-G. GRCh37 (hg19) VCF-style: chr19-50334638-C-G.
Other names: c.1150C>G, p.Leu384Val (NM_001378355.1); short protein forms L384V.
Identifiers: ClinVar variation 850813 (VCV000850813.10), dbSNP rs1248219304, ClinGen allele CA406916265.

ClinVar aggregate classification (germline): Uncertain significance. Review status: criteria provided, multiple submitters, no conflicts (2 of 4 stars). 2 submissions from 2 submitters: Uncertain significance (2). Last evaluated 2025-12-09.

Conditions:
Inborn genetic diseases. Identifiers: MedGen C0950123, MeSH D030342.
Charcot-Marie-Tooth disease type 2. Also called: Charcot-Marie-Tooth type 2. Identifiers: Orphanet 64746, MedGen C0270914, MONDO:0018993.

Allele frequency attached by ClinVar (database versions not stated): gnomAD exomes below 0.00001; TOPMed below 0.00001.
gnomAD v4.1: 3 of 1,611,098 alleles (0.00019%); highest among the groups gnomAD compares: Non-Finnish European, 0.00017%; no homozygotes.

Submissions (2):

Ambry Genetics
Classification: Uncertain significance for Inborn genetic diseases. Last evaluated: 2025-12-09. Review status: criteria provided, single submitter. Criteria: Ambry Variant Classification Scheme 2023. Collection method: clinical testing. Allele origin: germline.

Labcorp Genetics (formerly Invitae), Labcorp
Classification: Uncertain significance for Charcot-Marie-Tooth disease type 2. Last evaluated: 2019-11-20. Review status: criteria provided, single submitter. Criteria: Invitae Variant Classification Sherloc (09022015). Collection method: clinical testing. Allele origin: germline.
Comment: In summary, the available evidence is currently insufficient to determine the role of this variant in disease. Therefore, it has been classified as a Variant of Uncertain Significance. Algorithms developed to predict the effect of sequence changes on RNA splicing suggest that this variant may create or strengthen a splice site, but this prediction has not been confirmed by published transcriptional studies. Algorithms developed to predict the effect of missense changes on protein structure and function (SIFT, PolyPhen-2, Align-GVGD) all suggest that this variant is likely to be tolerated, but these predictions have not been confirmed by published functional studies and their clinical significance is uncertain. This variant has not been reported in the literature in individuals with MED25-related conditions. This variant is not present in population databases (ExAC no frequency). This sequence change replaces leucine with valine at codon 384 of the MED25 protein (p.Leu384Val). The leucine residue is moderately conserved and there is a small physicochemical difference between leucine and valine.